The following is an entry in ClinVar:

NM_000489.6(ATRX):c.2033A>G (p.Asp678Gly)

Gene: ATRX (ATRX chromatin remodeler; minus strand). Cytogenetic location: Xq21.1.
Variant type: single nucleotide variant.
Coding change: c.2033A>G on transcript NM_000489.6 (MANE Select); coding-DNA position 2033, A replaced by G.
Protein change: p.Asp678Gly; replaces aspartic acid 678 with glycine.
Molecular consequence: missense variant.
Genome position (GRCh38, 1-based): chrX:77,683,223, T>C on the plus strand (A>G on the coding strand, the complement: ATRX is on the minus strand). VCF-style: chrX-77683223-T-C. GRCh37 (hg19) VCF-style: chrX-76938715-T-C.
Other names: c.1919A>G, p.Asp640Gly (NM_138270.5); short protein forms D640G, D678G.
Identifiers: ClinVar variation 3384629 (VCV003384629.1).

ClinVar aggregate classification (germline): Uncertain significance (1 of 4 stars; one submission).

Submission:

GeneDx
Classification: Uncertain significance. Last evaluated: 2024-06-05. Review status: criteria provided, single submitter. Criteria: GeneDx Variant Classification Process June 2021. Collection method: clinical testing. Allele origin: germline. Affected: yes.
Comment: Not observed at significant frequency in large population cohorts (gnomAD); In silico analysis supports that this missense variant has a deleterious effect on protein structure/function; Has not been previously published as pathogenic or benign to our knowledge